The following is an entry in ClinVar:

ClinVar aggregate classification (germline): Uncertain significance (1 of 4 stars; one submission).

Conditions:
Autosomal recessive mendelian susceptibility to mycobacterial diseases due to complete RORgamma receptor deficiency. Also called: Immunodeficiency 42. Identifiers: Orphanet 477857, MedGen C5567647, MONDO:0014710, OMIM 616622.

Allele frequency attached by ClinVar (database versions not stated): ExAC 0.00001; gnomAD exomes 0.00001; gnomAD 0.00002; TOPMed 0.00002.
gnomAD v4.1: 16 of 1,590,054 alleles (0.001%); highest among the groups gnomAD compares: Non-Finnish European, 0.0013%; no homozygotes.

Submission:

Labcorp Genetics (formerly Invitae), Labcorp
Classification: Uncertain significance for Autosomal recessive mendelian susceptibility to mycobacterial diseases due to complete RORgamma receptor deficiency. Last evaluated: 2022-08-09. Review status: criteria provided, single submitter. Criteria: Invitae Variant Classification Sherloc (09022015). Collection method: clinical testing. Allele origin: germline.
Comment: This sequence change replaces glutamine, which is neutral and polar, with glutamic acid, which is acidic and polar, at codon 128 of the RORC protein (p.Gln128Glu). This variant is present in population databases (rs774023701, gnomAD 0.003%). This variant has not been reported in the literature in individuals affected with RORC-related conditions. ClinVar contains an entry for this variant (Variation ID: 1035931). Algorithms developed to predict the effect of missense changes on protein structure and function output the following: SIFT: "Tolerated"; PolyPhen-2: "Benign"; Align-GVGD: "Class C0". The glutamic acid amino acid residue is found in multiple mammalian species, which suggests that this missense change does not adversely affect protein function. In summary, the available evidence is currently insufficient to determine the role of this variant in disease. Therefore, it has been classified as a Variant of Uncertain Significance.

NM_005060.4(RORC):c.382C>G (p.Gln128Glu)

Gene: RORC (RAR related orphan receptor C; minus strand). Cytogenetic location: 1q21.3.
Variant type: single nucleotide variant.
Coding change: c.382C>G on transcript NM_005060.4 (MANE Select); coding-DNA position 382, C replaced by G.
Protein change: p.Gln128Glu; replaces glutamine 128 with glutamic acid.
Molecular consequence: missense variant.
Genome position (GRCh38, 1-based): chr1:151,815,342, G>C on the plus strand (C>G on the coding strand, the complement: RORC is on the minus strand). VCF-style: chr1-151815342-G-C. GRCh37 (hg19) VCF-style: chr1-151787818-G-C.
Other names: c.319C>G, p.Gln107Glu (NM_001001523.2); short protein forms Q128E, Q107E.
Identifiers: ClinVar variation 1035931 (VCV001035931.6), dbSNP rs774023701, ClinGen allele CA1095929.